The following is an entry in ClinVar:

NM_001365536.1(SCN9A):c.5774A>T (p.Asp1925Val)

Genes: SCN9A (sodium voltage-gated channel alpha subunit 9; minus strand), SCN1A-AS1 (SCN1A and SCN9A antisense RNA 1; plus strand). Cytogenetic location: 2q24.3.
Variant type: single nucleotide variant.
Coding change: c.5774A>T on transcript NM_001365536.1 (MANE Select); coding-DNA position 5774, A replaced by T.
Protein change: p.Asp1925Val; replaces aspartic acid 1925 with valine.
Molecular consequence: missense variant.
Genome position (GRCh38, 1-based): chr2:166,198,865, T>A on the plus strand (A>T on the coding strand, the complement: SCN9A is on the minus strand). VCF-style: chr2-166198865-T-A. GRCh37 (hg19) VCF-style: chr2-167055375-T-A.
Other names: c.5741A>T, p.Asp1914Val (NM_002977.4); short protein forms D1925V, D1914V.
Identifiers: ClinVar variation 2938730 (VCV002938730.3), dbSNP rs1304317493, ClinGen allele CA349051531.
Genomic context (GRCh38, chr2:166,198,865, plus strand): 5'-TTTTCTGGACTTGAGTTCTCATTAACATTATCAAAAGCCATATCTTTTTTATTGAGTAAA[T>A]CATCATCTCTGTCTCCATCTTTTATGTATATACTTGATATATTTTTGACATTTTGCCTTA-3'
Protein context (NP_001352465.1, residues 1915-1935): IYIKDGDRDD[Asp1925Val]LLNKKDMAFD

ClinVar aggregate classification (germline): Uncertain significance (1 of 4 stars; one submission).

Conditions:
Neuropathy, hereditary sensory and autonomic, type 2A (HSAN2A). Also called: ACROOSTEOLYSIS, GIACCAI TYPE; ACROOSTEOLYSIS, NEUROGENIC; MORVAN DISEASE; NEUROPATHY, CONGENITAL SENSORY; NEUROPATHY, HEREDITARY SENSORY RADICULAR, AUTOSOMAL RECESSIVE; NEUROPATHY, HEREDITARY SENSORY, TYPE IIA. Identifiers: Orphanet 970, MedGen C2752089, MONDO:0024309, OMIM 201300.
Generalized epilepsy with febrile seizures plus, type 7 (GEFSP7). Also called: GEFS+, TYPE 7. Identifiers: Orphanet 36387, MedGen C2751778, MONDO:0013470, OMIM 613863.

Allele frequency attached by ClinVar (database versions not stated): TOPMed below 0.00001.

Submission:

Labcorp Genetics (formerly Invitae), Labcorp
Classification: Uncertain significance for Neuropathy, hereditary sensory and autonomic, type 2A; Generalized epilepsy with febrile seizures plus, type 7. Last evaluated: 2023-06-23. Review status: criteria provided, single submitter. Criteria: Invitae Variant Classification Sherloc (09022015). Collection method: clinical testing. Allele origin: germline.
Comment: In summary, the available evidence is currently insufficient to determine the role of this variant in disease. Therefore, it has been classified as a Variant of Uncertain Significance. Advanced modeling of protein sequence and biophysical properties (such as structural, functional, and spatial information, amino acid conservation, physicochemical variation, residue mobility, and thermodynamic stability) has been performed at Invitae for this missense variant, however the output from this modeling did not meet the statistical confidence thresholds required to predict the impact of this variant on SCN9A protein function. This variant has not been reported in the literature in individuals affected with SCN9A-related conditions. This variant is not present in population databases (gnomAD no frequency). This sequence change replaces aspartic acid, which is acidic and polar, with valine, which is neutral and non-polar, at codon 1914 of the SCN9A protein (p.Asp1914Val).